The following is an entry in ClinVar:

NM_019066.5(MAGEL2):c.3721G>A (p.Gly1241Ser)

Gene: MAGEL2 (MAGE family member L2; minus strand). Cytogenetic location: 15q11.2.
Variant type: single nucleotide variant.
Coding change: c.3721G>A on transcript NM_019066.5 (MANE Select); coding-DNA position 3721, G replaced by A.
Protein change: p.Gly1241Ser; replaces glycine 1241 with serine.
Molecular consequence: missense variant.
Genome position (GRCh38, 1-based): chr15:23,644,022, C>T on the plus strand (G>A on the coding strand, the complement: MAGEL2 is on the minus strand). VCF-style: chr15-23644022-C-T. GRCh37 (hg19) VCF-style: chr15-23889169-C-T.
Other names: short protein forms G1241S.
Identifiers: ClinVar variation 735029 (VCV000735029.9), dbSNP rs555657199, ClinGen allele CA7429648.
Genomic context (GRCh38, chr15:23,644,022, plus strand): 5'-AAACACAGGAGCGAGATCTCTGCTACACCTATTAGCGGGGAGGGGGCCTGCTGGTGGGGC[C>T]GTGGGCACTGTCACCGGTGTCAGGTTCATCCTCATCTGTGTCTTCCCACTCACACTCTGC-3'
Protein context (NP_061939.3, residues 1231-1249): DEPDTGDSAH[Gly1241Ser]PTSRPPPR

ClinVar aggregate classification (germline): Benign/Likely benign. Review status: criteria provided, multiple submitters, no conflicts (2 of 4 stars). 2 submissions from 2 submitters: Benign (1); Likely benign (1). Last evaluated 2026-01-12.

Allele frequency attached by ClinVar (database versions not stated): TOPMed 0.00005; gnomAD 0.00011 and 0.00014; 1000 Genomes Project 30x 0.00062; 1000 Genomes Project 0.00080.
gnomAD v4.1: 93 of 1,607,292 alleles (0.0058%); highest among the groups gnomAD compares: East Asian, 0.11%; no homozygotes.

Submissions (2):

Labcorp Genetics (formerly Invitae), Labcorp
Classification: Likely benign. Last evaluated: 2026-01-12. Review status: criteria provided, single submitter. Criteria: Invitae Variant Classification Sherloc (09022015). Collection method: clinical testing. Allele origin: germline.

GeneDx
Classification: Benign. Last evaluated: 2020-10-05. Review status: criteria provided, single submitter. Criteria: GeneDx Variant Classification Process June 2021. Collection method: clinical testing. Allele origin: germline. Affected: yes.
Comment: In silico analysis supports that this missense variant does not alter protein structure/function